The following is an entry in ClinVar:

NM_001909.5(CTSD):c.-24C>T

Genes: CTSD (cathepsin D; minus strand), LOC130005119 (ATAC-STARR-seq lymphoblastoid silent region 3058; plus strand). Cytogenetic location: 11p15.5.
Variant type: single nucleotide variant.
Coding change: c.-24C>T on transcript NM_001909.5 (MANE Select); 24 bases upstream of the start codon, C replaced by T.
Molecular consequence: 5 prime UTR variant.
Genome position (GRCh38, 1-based): chr11:1,763,883, G>A on the plus strand (C>T on the coding strand, the complement: CTSD is on the minus strand). VCF-style: chr11-1763883-G-A. GRCh37 (hg19) VCF-style: chr11-1785113-G-A.
Identifiers: ClinVar variation 137059 (VCV000137059.6), dbSNP rs587780917, ClinGen allele CA290554.

ClinVar aggregate classification (germline): Conflicting classifications of pathogenicity. Review status: criteria provided, conflicting classifications (1 of 4 stars). 2 submissions from 2 submitters: Uncertain significance (1); Benign (1). Last evaluated 2018-01-13.

Conditions:
Neuronal ceroid lipofuscinosis 10 (CLN10). Also called: CTSD-Related Neuronal Ceroid-Lipofuscinosis; NEURONAL CEROID LIPOFUSCINOSIS DUE TO CATHEPSIN D DEFICIENCY. Identifiers: Orphanet 228337, MedGen C1864669, MONDO:0012414, OMIM 610127.

Allele frequency attached by ClinVar (database versions not stated): gnomAD 0.00009 and 0.00011; TOPMed 0.00014; 1000 Genomes Project 30x 0.00016; ExAC 0.00018; gnomAD exomes 0.00023.

Submissions (2):

Illumina Laboratory Services, Illumina
Classification: Uncertain significance for Neuronal ceroid lipofuscinosis 10. Last evaluated: 2018-01-13. Review status: criteria provided, single submitter. Criteria: ICSL Variant Classification Criteria 13 December 2019. Collection method: clinical testing. Allele origin: germline.

GeneDx
Classification: Benign. Last evaluated: 2013-12-16. Review status: criteria provided, single submitter. Criteria: GeneDx Variant Classification (06012015). Collection method: clinical testing. Allele origin: germline. Affected: yes.
Comment: This variant is considered likely benign or benign based on one or more of the following criteria: it is a conservative change, it occurs at a poorly conserved position in the protein, it is predicted to be benign by multiple in silico algorithms, and/or has population frequency not consistent with disease.